The following is an entry in ClinVar:

ClinVar aggregate classification (germline): Uncertain significance (1 of 4 stars; one submission).

Conditions:
Fanconi anemia (FA). Also called: Fanconi's anemia. Identifiers: Orphanet 84, MedGen C0015625, MeSH D005199, MONDO:0019391.

Submission:

Labcorp Genetics (formerly Invitae), Labcorp
Classification: Uncertain significance for Fanconi anemia. Last evaluated: 2021-01-07. Review status: criteria provided, single submitter. Criteria: Invitae Variant Classification Sherloc (09022015). Collection method: clinical testing. Allele origin: germline.
Comment: In summary, the available evidence is currently insufficient to determine the role of this variant in disease. Therefore, it has been classified as a Variant of Uncertain Significance. Algorithms developed to predict the effect of missense changes on protein structure and function output the following: SIFT: "Tolerated"; PolyPhen-2: "Benign"; Align-GVGD: "Class C0". The serine amino acid residue is found in multiple mammalian species, suggesting that this missense change does not adversely affect protein function. These predictions have not been confirmed by published functional studies and their clinical significance is uncertain. This variant has not been reported in the literature in individuals with SLX4-related conditions. This variant is not present in population databases (ExAC no frequency). This sequence change replaces alanine with serine at codon 516 of the SLX4 protein (p.Ala516Ser). The alanine residue is moderately conserved and there is a moderate physicochemical difference between alanine and serine.

NM_032444.4(SLX4):c.1546G>T (p.Ala516Ser)

Gene: SLX4 (SLX4 structure-specific endonuclease subunit; minus strand). Cytogenetic location: 16p13.3.
Variant type: single nucleotide variant.
Coding change: c.1546G>T on transcript NM_032444.4 (MANE Select); coding-DNA position 1546, G replaced by T.
Protein change: p.Ala516Ser; replaces alanine 516 with serine.
Molecular consequence: missense variant.
Genome position (GRCh38, 1-based): chr16:3,597,516, C>A on the plus strand (G>T on the coding strand, the complement: SLX4 is on the minus strand). VCF-style: chr16-3597516-C-A. GRCh37 (hg19) VCF-style: chr16-3647517-C-A.
Other names: short protein forms A516S.
Identifiers: ClinVar variation 1523613 (VCV001523613.8), dbSNP rs1260563876, ClinGen allele CA394528839.
Genomic context (GRCh38, chr16:3,597,516, plus strand): 5'-GTGCGCTGCCCTCCCACAGAAAGCTCTGCTTGCGTTCAGGTGGAGGAGGACACTGGCCCG[C>A]TCTTTCCCACCCTTCCTTTAAAATCCTGCTGGCAGGAAGTGGTGGCGTGCTAGACAATTC-3'
Protein context (NP_115820.2, residues 506-526): SRILKEGWER[Ala516Ser]GQCPPPPERK